The following is an entry in ClinVar:

NM_000135.4(FANCA):c.1592A>T (p.Tyr531Phe)

Gene: FANCA (FA complementation group A; minus strand). Cytogenetic location: 16q24.3.
Variant type: single nucleotide variant.
Coding change: c.1592A>T on transcript NM_000135.4 (MANE Select); coding-DNA position 1592, A replaced by T.
Protein change: p.Tyr531Phe; replaces tyrosine 531 with phenylalanine.
Molecular consequence: missense variant.
Genome position (GRCh38, 1-based): chr16:89,782,893, T>A on the plus strand (A>T on the coding strand, the complement: FANCA is on the minus strand). VCF-style: chr16-89782893-T-A. GRCh37 (hg19) VCF-style: chr16-89849301-T-A.
Other names: c.1592A>T, p.Tyr531Phe (NM_001286167.3); short protein forms Y531F.
Identifiers: ClinVar variation 3848222 (VCV003848222.1).
Genomic context (GRCh38, chr16:89,782,893, plus strand): 5'-ACCCTGCAGGGCTCAAGCAACATTACCTCAGTAATGTCCCCAGCTGATGACAAATCCTCG[T>A]AGAGTCCCATGTTTTCTATAGAAACCTTCAGGGAAGACACAGAATGAGAACAAGAAAACA-3'
Protein context (NP_000126.2, residues 521-541): LKVSIENMGL[Tyr531Phe]EDLSSAGDIT

ClinVar aggregate classification (germline): Uncertain significance (1 of 4 stars; one submission).

Conditions:
Inborn genetic diseases. Identifiers: MedGen C0950123, MeSH D030342.

gnomAD v4.1: 1 of 1,614,092 alleles (0.000062%); no homozygotes.

Submission:

Ambry Genetics
Classification: Uncertain significance for Inborn genetic diseases. Last evaluated: 2025-02-10. Review status: criteria provided, single submitter. Criteria: Ambry Variant Classification Scheme 2023. Collection method: clinical testing. Allele origin: germline.
Comment: The p.Y531F variant (also known as c.1592A>T), located in coding exon 17 of the FANCA gene, results from an A to T substitution at nucleotide position 1592. The tyrosine at codon 531 is replaced by phenylalanine, an amino acid with highly similar properties. This amino acid position is conserved. In addition, the in silico prediction for this alteration is inconclusive. Based on the available evidence, the clinical significance of this variant remains unclear.